The following is an entry in ClinVar:

NM_080680.3(COL11A2):c.4537C>T (p.Arg1513Trp)

Gene: COL11A2 (collagen type XI alpha 2 chain; minus strand). Cytogenetic location: 6p21.32.
Variant type: single nucleotide variant.
Coding change: c.4537C>T on transcript NM_080680.3 (MANE Select); coding-DNA position 4537, C replaced by T.
Protein change: p.Arg1513Trp; replaces arginine 1513 with tryptophan.
Molecular consequence: missense variant.
Genome position (GRCh38, 1-based): chr6:33,165,762, G>A on the plus strand (C>T on the coding strand, the complement: COL11A2 is on the minus strand). VCF-style: chr6-33165762-G-A. GRCh37 (hg19) VCF-style: chr6-33133539-G-A.
Other names: c.4216C>T, p.Arg1406Trp (NM_080679.3); c.4279C>T, p.Arg1427Trp (NM_080681.3); c.4537C>T (NM_080680.2); short protein forms R1513W, R1406W, R1427W.
Identifiers: ClinVar variation 1433513 (VCV001433513.8), dbSNP rs199615717, ClinGen allele CA3750057.
Genomic context (GRCh38, chr6:33,165,762, plus strand): 5'-CTCCCCCGGTCGGTATGGCCTCATCTTCCTGCATCAGACGGCTTCCATCCACCGAGCGCC[G>A]AGTCTTCTTGGGCATCTGAATGGGCAGTGGCTGGATCACCTCGCCTGGGGGACCCTGGGT-3'
Protein context (NP_542411.2, residues 1503-1523): PLPIQMPKKT[Arg1513Trp]RSVDGSRLMQ

ClinVar aggregate classification (germline): Conflicting classifications of pathogenicity. Review status: criteria provided, conflicting classifications (1 of 4 stars). 2 submissions from 2 submitters: Uncertain significance (1); Benign (1). Last evaluated 2026-07-18.

Allele frequency attached by ClinVar (database versions not stated): ExAC 0.00002; gnomAD exomes 0.00002; TOPMed 0.00002; gnomAD 0.00003; 1000 Genomes Project 30x 0.00016; 1000 Genomes Project 0.00020.
gnomAD v4.1: 26 of 1,612,868 alleles (0.0016%); highest among the groups gnomAD compares: African/African-American, 0.0067%; no homozygotes.

Submissions (2):

GeneDx
Classification: Uncertain significance. Last evaluated: 2026-07-18. Review status: criteria provided, single submitter. Criteria: GeneDx Variant Classification Process June 2021. Collection method: clinical testing. Allele origin: germline.
Comment: Not observed at significant frequency in large population cohorts (gnomAD); In silico analysis supports that this missense variant has a deleterious effect on protein structure/function; Has not been previously published as pathogenic or benign to our knowledge

Labcorp Genetics (formerly Invitae), Labcorp
Classification: Benign. Last evaluated: 2025-05-07. Review status: criteria provided, single submitter. Criteria: Invitae Variant Classification Sherloc (09022015). Collection method: clinical testing. Allele origin: germline.